The following is an entry in ClinVar:

ClinVar aggregate classification (germline): Uncertain significance (1 of 4 stars; one submission).

Conditions:
Hereditary cancer-predisposing syndrome. Also called: Tumor predisposition; Hereditary neoplastic syndrome; Neoplastic Syndromes, Hereditary; Hereditary Cancer Syndrome. Identifiers: Orphanet 140162, MedGen C0027672, MeSH D009386, MONDO:0015356.

Submission:

Ambry Genetics
Classification: Uncertain significance for Hereditary cancer-predisposing syndrome. Last evaluated: 2018-04-17. Review status: criteria provided, single submitter. Criteria: Ambry Variant Classification Scheme 2023. Collection method: clinical testing. Allele origin: germline.
Comment: The p.W485C variant (also known as c.1455G>T), located in coding exon 12 of the CHEK2 gene, results from a G to T substitution at nucleotide position 1455. The tryptophan at codon 485 is replaced by cysteine, an amino acid with highly dissimilar properties. This amino acid position is highly conserved in available vertebrate species. In addition, this alteration is predicted to be deleterious by in silico analysis. Since supporting evidence is limited at this time, the clinical significance of this alteration remains unclear.

NM_007194.4(CHEK2):c.1455G>T (p.Trp485Cys)

Gene: CHEK2 (checkpoint kinase 2; minus strand). Cytogenetic location: 22q12.1.
Variant type: single nucleotide variant.
Coding change: c.1455G>T on transcript NM_007194.4 (MANE Select); coding-DNA position 1455, G replaced by T.
Protein change: p.Trp485Cys; replaces tryptophan 485 with cysteine.
Molecular consequence: missense variant.
Genome position (GRCh38, 1-based): chr22:28,694,038, C>A on the plus strand (G>T on the coding strand, the complement: CHEK2 is on the minus strand). VCF-style: chr22-28694038-C-A. GRCh37 (hg19) VCF-style: chr22-29090026-C-A.
Other names: c.1254G>T, p.Trp418Cys (NM_001349956.3); c.1368G>T, p.Trp456Cys (NM_145862.3); c.1584G>T, p.Trp528Cys (NM_001005735.3); c.792G>T, p.Trp264Cys (NM_001257387.3); short protein forms W456C, W485C, W264C, W528C, W418C.
Identifiers: ClinVar variation 819259 (VCV000819259.4), dbSNP rs1601715852, ClinGen allele CA411093933.